The following is an entry in ClinVar:

ClinVar aggregate classification (germline): Uncertain significance (1 of 4 stars; one submission).

gnomAD v4.1: 7 of 1,613,152 alleles (0.00043%); highest among the groups gnomAD compares: African/African-American, 0.0013%; no homozygotes.

Submission:

Labcorp Genetics (formerly Invitae), Labcorp
Classification: Uncertain significance. Last evaluated: 2025-07-22. Review status: criteria provided, single submitter. Criteria: Invitae Variant Classification Sherloc (09022015). Collection method: clinical testing. Allele origin: germline.
Comment: This sequence change replaces glutamine, which is neutral and polar, with arginine, which is basic and polar, at codon 234 of the MYH7B protein (p.Gln234Arg). This variant is not present in population databases (gnomAD no frequency). This variant has not been reported in the literature in individuals affected with MYH7B-related conditions. Invitae Evidence Modeling of protein sequence and biophysical properties (such as structural, functional, and spatial information, amino acid conservation, physicochemical variation, residue mobility, and thermodynamic stability) indicates that this missense variant is not expected to disrupt MYH7B protein function with a negative predictive value of 80%. In summary, the available evidence is currently insufficient to determine the role of this variant in disease. Therefore, it has been classified as a Variant of Uncertain Significance.

NM_020884.7(MYH7B):c.575A>G (p.Gln192Arg)

Gene: MYH7B (myosin heavy chain 7B; plus strand). Cytogenetic location: 20q11.22.
Variant type: single nucleotide variant.
Coding change: c.575A>G on transcript NM_020884.7 (MANE Select); coding-DNA position 575, A replaced by G.
Protein change: p.Gln192Arg; replaces glutamine 192 with arginine.
Molecular consequence: missense variant.
Genome position (GRCh38, 1-based): chr20:34,982,506, A>G. VCF-style: chr20-34982506-A-G. GRCh37 (hg19) VCF-style: chr20-33570309-A-G.
Other names: short protein forms Q192R.
Identifiers: ClinVar variation 4751310 (VCV004751310.1).